The following is an entry in ClinVar:

NM_000400.4(ERCC2):c.63_65delinsAC (p.Phe22fs)

Gene: ERCC2 (ERCC excision repair 2, TFIIH core complex helicase subunit; minus strand). Cytogenetic location: 19q13.32.
Variant type: Indel.
Coding change: c.63_65delinsAC on transcript NM_000400.4 (MANE Select); coding-DNA positions 63 to 65, GTT replaced by AC.
Protein change: p.Phe22fs; shifts the reading frame from phenylalanine 22.
Molecular consequence: frameshift variant. On other transcripts: 5 prime UTR variant (2), non-coding transcript variant (3), intron variant (1).
Genome position (GRCh38, 1-based): chr19:45,370,173-45,370,175, AAC replaced by GT on the plus strand (GTT replaced by AC on the coding strand, the reverse complement: ERCC2 is on the minus strand). VCF-style: chr19-45370173-AAC-GT. GRCh37 (hg19) VCF-style: chr19-45873431-AAC-GT.
Other names: c.-10_-8delinsAC (NM_001130867.2, NM_001440355.1); c.63_65delinsAC, p.Phe22fs (NM_001440356.1); c.-19+361_-19+363delinsAC (NM_001440357.1); short protein forms F22fs.
Identifiers: ClinVar variation 5015231 (VCV005015231.1).

ClinVar aggregate classification (germline): Pathogenic (1 of 4 stars; one submission).

Conditions:
ERCC2-related disorder. Also called: ERCC2-related conditions; ERCC2-related condition; ERCC2-related disorders. Identifiers: MedGen CN239291.

Submission:

Myriad Genetics, Inc.
Classification: Pathogenic for ERCC2-related disorder. Last evaluated: 2025-11-18. Review status: criteria provided, single submitter. Criteria: Myriad Autosomal Dominant, Autosomal Recessive and X-Linked Classification Criteria (2023). Collection method: clinical testing. Allele origin: unknown.
Comment: NM_000400.3(ERCC2):c.63_65delGTTinsAC(F22Pfs*34) is expected to be pathogenic in the context of ERCC2-related disorders. This variant is predicted to lead to an abnormal or absent protein product due to the creation of a premature termination codon in ERCC2, a gene where loss-of-function variants are known to be pathogenic. Please note: this variant was assessed in the context of healthy population screening.